The following is an entry in ClinVar:

ClinVar aggregate classification (germline): Uncertain significance (1 of 4 stars; one submission).

Submission:

GeneDx
Classification: Uncertain significance. Last evaluated: 2025-01-31. Review status: criteria provided, single submitter. Criteria: GeneDx Variant Classification Process June 2021. Collection method: clinical testing. Allele origin: germline. Affected: yes.
Comment: Not observed at significant frequency in large population cohorts (gnomAD); In silico analysis supports that this missense variant has a deleterious effect on protein structure/function; Has not been previously published as pathogenic or benign to our knowledge

NM_001613.4(ACTA2):c.670G>C (p.Asp224His)

Genes: ACTA2 (actin alpha 2, smooth muscle; minus strand), ACTA2-AS1 (ACTA2 antisense RNA 1; plus strand). Cytogenetic location: 10q23.31.
Variant type: single nucleotide variant.
Coding change: c.670G>C on transcript NM_001613.4 (MANE Select); coding-DNA position 670, G replaced by C.
Protein change: p.Asp224His; replaces aspartic acid 224 with histidine.
Molecular consequence: missense variant. On other transcripts: non-coding transcript variant (1), intron variant (1).
Genome position (GRCh38, 1-based): chr10:88,939,645, C>G on the plus strand (G>C on the coding strand, the complement: ACTA2 is on the minus strand). VCF-style: chr10-88939645-C-G. GRCh37 (hg19) VCF-style: chr10-90699402-C-G.
Other names: c.670G>C, p.Asp224His (NM_001141945.3, NM_001320855.2, NM_001406462.1 and 2 more transcripts); c.559G>C, p.Asp187His (NM_001406466.1); c.541G>C, p.Asp181His (NM_001406467.1, NM_001406468.1, NM_001406469.1); c.617-1403G>C (NM_001406471.1); short protein forms D181H, D187H, D224H.
Identifiers: ClinVar variation 4072625 (VCV004072625.1).